The following is an entry in ClinVar:

ClinVar aggregate classification (germline): Uncertain significance. Review status: criteria provided, multiple submitters, no conflicts (2 of 4 stars). 3 submissions from 3 submitters: Uncertain significance (3). Last evaluated 2023-06-20.

Conditions:
GP1BB-related disorder. Also called: GP1BB-related condition.
Bernard Soulier syndrome (BSS). Also called: PLATELET GLYCOPROTEIN Ib DEFICIENCY; VON WILLEBRAND FACTOR RECEPTOR DEFICIENCY; Giant platelet syndrome; Hemorrhagiparous thrombocytic dystrophy; Giant platelet disease; BLEEDING DISORDER, PLATELET-TYPE, 1. Identifiers: Orphanet 274, MedGen C0005129, MeSH D001606, MONDO:0009276, OMIM 231200.

Allele frequency attached by ClinVar (database versions not stated): TOPMed below 0.00001.
gnomAD v4.1: 4 of 1,279,326 alleles (0.00031%); highest among the groups gnomAD compares: Non-Finnish European, 0.00039%; no homozygotes.

Submissions (3):

PreventionGenetics, part of Exact Sciences
Classification: Uncertain significance for GP1BB-related condition. Last evaluated: 2023-06-20. Review status: criteria provided, single submitter. Criteria: ACMG Guidelines, 2015. Collection method: clinical testing. Allele origin: germline.
Comment: The GP1BB c.436C>T variant is predicted to result in the amino acid substitution p.Leu146Phe. To our knowledge, this variant has not been reported in the literature or in a large population database, indicating this variant is rare. At this time, the clinical significance of this variant is uncertain due to the absence of conclusive functional and genetic evidence.

Genetic Services Laboratory, University of Chicago
Classification: Uncertain significance. Last evaluated: 2023-06-15. Review status: criteria provided, single submitter. Criteria: ACMG Guidelines, 2015. Collection method: clinical testing. Allele origin: germline. Affected: no.
Comment: DNA sequence analysis of the GP1BB gene demonstrated a sequence change, c.436C>T, in exon 2 that results in an amino acid change, p.Leu146Phe. This sequence change does not appear to have been previously described in individuals with GP1BB-related disorders and has also not been described in population databases such as ExAC and gnomAD. The p.Leu146Phe change affects a moderately conserved amino acid residue located in a domain of the GP1bB protein that is not known to be functional. The p.Leu146Phe substitution appears to be benign using several in-silico pathogenicity prediction tools (SIFT, PolyPhen2, Align GVGD, REVEL). Due to insufficient evidence and the lack of functional studies, the clinical significance of the p.Leu146Phe change remains unknown at this time.

Revvity Omics, Revvity
Classification: Uncertain significance for Bernard Soulier syndrome. Last evaluated: 2021-11-10. Review status: criteria provided, single submitter. Criteria: ACMG Guidelines, 2015. Collection method: clinical testing. Allele origin: germline.

NM_000407.5(GP1BB):c.436C>T (p.Leu146Phe)

Genes: GP1BB (glycoprotein Ib platelet subunit beta; plus strand), SEPT5-GP1BB (SEPT5-GP1BB readthrough; plus strand). Cytogenetic location: 22q11.21.
Variant type: single nucleotide variant.
Coding change: c.436C>T on transcript NM_000407.5 (MANE Select); coding-DNA position 436, C replaced by T.
Protein change: p.Leu146Phe; replaces leucine 146 with phenylalanine.
Molecular consequence: missense variant. On other transcripts: non-coding transcript variant (2).
Genome position (GRCh38, 1-based): chr22:19,724,279, C>T. VCF-style: chr22-19724279-C-T. GRCh37 (hg19) VCF-style: chr22-19711802-C-T.
Other names: short protein forms L146F.
Identifiers: ClinVar variation 2432237 (VCV002432237.6), dbSNP rs1936120179, ClinGen allele CA410677507.